The following is an entry in ClinVar:

ClinVar aggregate classification (germline): Likely pathogenic (1 of 4 stars; one submission).

Submission:

CeGaT Center for Human Genetics Tuebingen
Classification: Likely pathogenic. Last evaluated: 2022-11-01. Review status: criteria provided, single submitter. Criteria: CeGaT Center For Human Genetics Tuebingen Variant Classification Criteria Version 2. Collection method: clinical testing. Allele origin: germline. Affected: yes. Observed: 1 variant allele.
Comment: ADAR: PVS1:Strong, PM2

NM_001111.5(ADAR):c.1601+1G>T

Gene: ADAR (adenosine deaminase RNA specific; minus strand). Cytogenetic location: 1q21.3.
Variant type: single nucleotide variant.
Coding change: c.1601+1G>T on transcript NM_001111.5 (MANE Select); the canonical splice donor site of the intron after coding-DNA position 1601, G replaced by T.
Molecular consequence: splice donor variant.
Genome position (GRCh38, 1-based): chr1:154,601,040, C>A on the plus strand (G>T on the coding strand, the complement: ADAR is on the minus strand). VCF-style: chr1-154601040-C-A. GRCh37 (hg19) VCF-style: chr1-154573516-C-A.
Other names: c.716+1G>T (NM_001365046.1, NM_001025107.3, NM_001365048.1 and 3 more transcripts); c.1628+1G>T (NM_001365045.1); c.1601+1G>T (NM_015841.4, NM_015840.4).
Identifiers: ClinVar variation 2639374 (VCV002639374.24), dbSNP rs2526644607, ClinGen allele CA342595902.